The following is an entry in ClinVar:

ClinVar aggregate classification (germline): Uncertain significance (1 of 4 stars; one submission).

Conditions:
Menkes kinky-hair syndrome (MNK). Also called: Copper transport disease; Menkes Disease; Classic Menkes Disease. Identifiers: Orphanet 565, MedGen C0022716, MONDO:0010651, OMIM 309400.
X-linked distal spinal muscular atrophy type 3. Also called: ATP7A-Related Distal Motor Neuropathy; SPINAL MUSCULAR ATROPHY, DISTAL, X-LINKED RECESSIVE; NEURONOPATHY, DISTAL HEREDITARY MOTOR, X-LINKED; NEUROPATHY, DISTAL HEREDITARY MOTOR, X-LINKED. Identifiers: Orphanet 139557, MedGen C1845359, MONDO:0010338, OMIM 300489.
Cutis laxa, X-linked (OHS). Also called: EDS IX; Occipital horn syndrome. Identifiers: Orphanet 198, MedGen C0268353, MONDO:0010572, OMIM 304150.

gnomAD v4.1: 1 of 1,210,760 alleles (0.000083%); no homozygotes.

Submission:

Labcorp Genetics (formerly Invitae), Labcorp
Classification: Uncertain significance for X-linked distal spinal muscular atrophy type 3; Cutis laxa, X-linked; Menkes kinky-hair syndrome. Last evaluated: 2024-10-24. Review status: criteria provided, single submitter. Criteria: Invitae Variant Classification Sherloc (09022015). Collection method: clinical testing. Allele origin: germline.
Comment: This sequence change replaces valine, which is neutral and non-polar, with alanine, which is neutral and non-polar, at codon 1218 of the ATP7A protein (p.Val1218Ala). This variant is not present in population databases (gnomAD no frequency). This variant has not been reported in the literature in individuals affected with ATP7A-related conditions. Invitae Evidence Modeling of protein sequence and biophysical properties (such as structural, functional, and spatial information, amino acid conservation, physicochemical variation, residue mobility, and thermodynamic stability) indicates that this missense variant is not expected to disrupt ATP7A protein function with a negative predictive value of 95%. In summary, the available evidence is currently insufficient to determine the role of this variant in disease. Therefore, it has been classified as a Variant of Uncertain Significance.

NM_000052.7(ATP7A):c.3653T>C (p.Val1218Ala)

Gene: ATP7A (ATPase copper transporting alpha; plus strand). Cytogenetic location: Xq21.1.
Variant type: single nucleotide variant.
Coding change: c.3653T>C on transcript NM_000052.7 (MANE Select); coding-DNA position 3653, T replaced by C.
Protein change: p.Val1218Ala; replaces valine 1218 with alanine.
Molecular consequence: missense variant. On other transcripts: non-coding transcript variant (1).
Genome position (GRCh38, 1-based): chrX:78,038,977, T>C. VCF-style: chrX-78038977-T-C. GRCh37 (hg19) VCF-style: chrX-77294475-T-C.
Other names: c.3419T>C, p.Val1140Ala (NM_001282224.2); short protein forms V1140A, V1218A.
Identifiers: ClinVar variation 3749064 (VCV003749064.2).